The following is an entry in ClinVar:

NM_139027.6(ADAMTS13):c.2317C>T (p.Gln773Ter)

Gene: ADAMTS13 (ADAM metallopeptidase with thrombospondin type 1 motif 13; plus strand). Cytogenetic location: 9q34.2.
Variant type: single nucleotide variant.
Coding change: c.2317C>T on transcript NM_139027.6 (MANE Select); coding-DNA position 2317, C replaced by T.
Protein change: p.Gln773Ter; replaces glutamine 773 with a stop codon.
Molecular consequence: nonsense.
Genome position (GRCh38, 1-based): chr9:133,443,458, C>T. VCF-style: chr9-133443458-C-T. GRCh37 (hg19) VCF-style: chr9-136308579-C-T.
Other names: p.Gln773*; c.2317C>T, p.Gln773Ter (NM_139025.5); c.2224C>T, p.Gln742Ter (NM_139026.6); short protein forms Q742*, Q773*.
Identifiers: ClinVar variation 2683661 (VCV002683661.3), dbSNP rs1376759965, ClinGen allele CA375397697.

ClinVar aggregate classification (germline): Pathogenic/Likely pathogenic. Review status: criteria provided, multiple submitters, no conflicts (2 of 4 stars). 2 submissions from 2 submitters: Pathogenic (1); Likely pathogenic (1). Last evaluated 2025-01-14.

Allele frequency attached by ClinVar (database versions not stated): gnomAD 0.00001; TOPMed 0.00002.
gnomAD v4.1: 6 of 1,592,372 alleles (0.00038%); highest among the groups gnomAD compares: African/African-American, 0.0067%; no homozygotes.

Submissions (2):

Labcorp Genetics (formerly Invitae), Labcorp
Classification: Pathogenic. Last evaluated: 2025-01-14. Review status: criteria provided, single submitter. Criteria: Invitae Variant Classification Sherloc (09022015). Collection method: clinical testing. Allele origin: germline.
Comment: This sequence change creates a premature translational stop signal (p.Gln773*) in the ADAMTS13 gene. It is expected to result in an absent or disrupted protein product. Loss-of-function variants in ADAMTS13 are known to be pathogenic (PMID: 11586351, 12753286, 21781265). The frequency data for this variant in the population databases is considered unreliable, as metrics indicate poor data quality at this position in the gnomAD database. This variant has not been reported in the literature in individuals affected with ADAMTS13-related conditions. ClinVar contains an entry for this variant (Variation ID: 2683661). For these reasons, this variant has been classified as Pathogenic.

Mayo Clinic Laboratories, Mayo Clinic
Classification: Likely pathogenic. Last evaluated: 2022-10-18. Review status: criteria provided, single submitter. Criteria: ACMG Guidelines, 2015. Collection method: clinical testing. Allele origin: germline. Observed: 1 variant allele.
Comment: PM2_supporting, PVS1

Literature cited by the submitters: PubMed 11586351 (cited by Labcorp Genetics (formerly Invitae), Labcorp); PubMed 12753286 (cited by Labcorp Genetics (formerly Invitae), Labcorp); PubMed 21781265 (cited by Labcorp Genetics (formerly Invitae), Labcorp).